The following is an entry in ClinVar:

NM_152383.5(DIS3L2):c.2011A>G (p.Met671Val)

Gene: DIS3L2 (DIS3 like 3'-5' exoribonuclease 2; plus strand). Cytogenetic location: 2q37.1.
Variant type: single nucleotide variant.
Coding change: c.2011A>G on transcript NM_152383.5 (MANE Select); coding-DNA position 2011, A replaced by G.
Protein change: p.Met671Val; replaces methionine 671 with valine.
Molecular consequence: missense variant. On other transcripts: non-coding transcript variant (2), intron variant (1).
Genome position (GRCh38, 1-based): chr2:232,333,840, A>G. VCF-style: chr2-232333840-A-G. GRCh37 (hg19) VCF-style: chr2-233198550-A-G.
Other names: c.1582-9505A>G (NM_001257281.2); short protein forms M671V.
Identifiers: ClinVar variation 463088 (VCV000463088.10), dbSNP rs1553551554, ClinGen allele CA350977290.
Genomic context (GRCh38, chr2:232,333,840, plus strand): 5'-CTTCCAGGCCTGGCTGGGCAGCTCTGGGCTTGTCAGGCTCTGACCCATCCCGTCCCGCAG[A>G]TGGCACTGTACTTCTGCTCGGGGCTGCTGCAGGACCCAGCGCAGTTCCGGCACTACGCGC-3'
Protein context (NP_689596.4, residues 661-681): LTNMCSRPMQ[Met671Val]ALYFCSGLLQ

ClinVar aggregate classification (germline): Uncertain significance (1 of 4 stars; one submission).

Conditions:
Perlman syndrome (PRLMNS). Identifiers: Orphanet 2849, MedGen C0796113, MONDO:0009965, OMIM 267000.

Allele frequency attached by ClinVar (database versions not stated): gnomAD exomes 0.00001.
gnomAD v4.1: 9 of 1,609,862 alleles (0.00056%); highest among the groups gnomAD compares: Non-Finnish European, 0.00076%; no homozygotes.

Submission:

Labcorp Genetics (formerly Invitae), Labcorp
Classification: Uncertain significance for Perlman syndrome. Last evaluated: 2024-06-03. Review status: criteria provided, single submitter. Criteria: Invitae Variant Classification Sherloc (09022015). Collection method: clinical testing. Allele origin: germline.
Comment: This sequence change replaces methionine, which is neutral and non-polar, with valine, which is neutral and non-polar, at codon 671 of the DIS3L2 protein (p.Met671Val). This variant is not present in population databases (gnomAD no frequency). This variant has not been reported in the literature in individuals affected with DIS3L2-related conditions. ClinVar contains an entry for this variant (Variation ID: 463088). An algorithm developed to predict the effect of missense changes on protein structure and function (PolyPhen-2) suggests that this variant is likely to be disruptive. In summary, the available evidence is currently insufficient to determine the role of this variant in disease. Therefore, it has been classified as a Variant of Uncertain Significance.